The following is an entry in ClinVar:

ClinVar aggregate classification (germline): Benign. Review status: criteria provided, single submitter (1 of 4 stars). 2 submissions from 1 submitter: Benign (2). Last evaluated 2018-01-12.

Conditions:
Alpha-N-acetylgalactosaminidase deficiency type 2. Also called: ALPHA-N-ACETYLGALACTOSAMINIDASE DEFICIENCY, TYPE II; NAGA DEFICIENCY, TYPE II; SCHINDLER DISEASE, TYPE II. Identifiers: Orphanet 3137, Orphanet 79280, MedGen C1836522, MONDO:0012222, OMIM 609242.
Alpha-N-acetylgalactosaminidase deficiency type 1. Also called: SCHINDLER DISEASE, TYPE I; ALPHA-N-ACETYLGALACTOSAMINIDASE DEFICIENCY, TYPE I; NAGA DEFICIENCY, TYPE I; NEUROAXONAL DYSTROPHY, SCHINDLER TYPE. Identifiers: Orphanet 3137, Orphanet 79279, Orphanet 79281, MedGen C1836544, MONDO:0012221, OMIM 609241.

Allele frequency attached by ClinVar (database versions not stated): gnomAD 0.01015 and 0.01094; TOPMed 0.01067; 1000 Genomes Project 30x 0.01265; 1000 Genomes Project 0.01318.

Submissions (2):

Illumina Laboratory Services, Illumina
Classification: Benign for Alpha-N-acetylgalactosaminidase deficiency type 2. Last evaluated: 2018-01-12. Review status: criteria provided, single submitter. Criteria: ICSL Variant Classification Criteria 13 December 2019. Collection method: clinical testing. Allele origin: germline.
Comment: This variant was observed in the ICSL laboratory as part of a predisposition screen in an ostensibly healthy population. It had not been previously curated by ICSL or reported in the Human Gene Mutation Database (HGMD: prior to June 1st, 2018), and was therefore a candidate for classification through an automated scoring system. Utilizing variant allele frequency, disease prevalence and penetrance estimates, and inheritance mode, an automated score was calculated to assess if this variant is too frequent to cause the disease. Based on the score and internal cut-off values, a variant classified as benign is not then subjected to further curation. The score for this variant resulted in a classification of benign for this disease.

Illumina Laboratory Services, Illumina
Classification: Benign for Alpha-N-acetylgalactosaminidase deficiency type 1. Last evaluated: 2018-01-12. Review status: criteria provided, single submitter. Criteria: ICSL Variant Classification Criteria 13 December 2019. Collection method: clinical testing. Allele origin: germline.
Comment: the same text as in the submission from Illumina Laboratory Services, Illumina above.

NM_000262.3(NAGA):c.*1696C>T

Gene: NAGA (alpha-N-acetylgalactosaminidase; minus strand). Cytogenetic location: 22q13.2.
Variant type: single nucleotide variant.
Coding change: c.*1696C>T on transcript NM_000262.3 (MANE Select); 1696 bases downstream of the stop codon, C replaced by T.
Molecular consequence: 3 prime UTR variant.
Genome position (GRCh38, 1-based): chr22:42,058,583, G>A on the plus strand (C>T on the coding strand, the complement: NAGA is on the minus strand). VCF-style: chr22-42058583-G-A. GRCh37 (hg19) VCF-style: chr22-42454587-G-A.
Other names: c.*1696C>T (NM_001362848.1, NM_001362850.1).
Identifiers: ClinVar variation 341889 (VCV000341889.5), dbSNP rs11703233, ClinGen allele CA10653606.
Genomic context (GRCh38, chr22:42,058,583, plus strand): 5'-TGAATAGAAGGGAATAAATGTCCTGGGAGATAGATGGCATGTTTGTTGAAAGAATGAAGG[G>A]TGAAGAGATAGGATCAATCAGGCACCCCCAGGACAAAAGGAAAACTTATACAGCAAGTAA-3'